The following is an entry in ClinVar:

ClinVar aggregate classification (germline): Uncertain significance (1 of 4 stars; one submission).

Allele frequency attached by ClinVar (database versions not stated): gnomAD exomes below 0.00001.
gnomAD v4.1: 3 of 1,614,208 alleles (0.00019%); highest among the groups gnomAD compares: Non-Finnish European, 0.00025%; no homozygotes.

Submission:

Women's Health and Genetics/Laboratory Corporation of America, LabCorp
Classification: Uncertain significance. Last evaluated: 2021-09-23. Review status: criteria provided, single submitter. Criteria: LabCorp Variant Classification Summary - May 2015. Collection method: clinical testing. Allele origin: germline.
Comment: Variant summary: A2ML1 c.29T>A (p.Leu10X) results in a premature termination codon, predicted to cause a truncation of the encoded protein or absence of the protein due to nonsense mediated decay, which are commonly known mechanisms for disease. The variant was absent in 249568 control chromosomes (gnomAD). The available data on variant occurrences in the general population are insufficient to allow any conclusion about variant significance. To our knowledge, no occurrence of c.29T>A in individuals affected with Noonan Syndrome and no experimental evidence demonstrating its impact on protein function have been reported. No clinical diagnostic laboratories have submitted clinical-significance assessments for this variant to ClinVar after 2014. Based on the evidence outlined above, the variant was classified as uncertain significance.

NM_144670.6(A2ML1):c.29T>A (p.Leu10Ter)

Genes: A2ML1 (alpha-2-macroglobulin like 1; plus strand), A2ML1-AS1 (A2ML1 antisense RNA 1; minus strand). Cytogenetic location: 12p13.31.
Variant type: single nucleotide variant.
Coding change: c.29T>A on transcript NM_144670.6 (MANE Select); coding-DNA position 29, T replaced by A.
Protein change: p.Leu10Ter; replaces leucine 10 with a stop codon.
Molecular consequence: nonsense.
Genome position (GRCh38, 1-based): chr12:8,822,680, T>A. VCF-style: chr12-8822680-T-A. GRCh37 (hg19) VCF-style: chr12-8975276-T-A.
Other names: short protein forms L10*.
Identifiers: ClinVar variation 1301380 (VCV001301380.1), dbSNP rs2136691291, ClinGen allele CA383816429.